The following is an entry in ClinVar:

NM_030665.4(RAI1):c.856C>T (p.Gln286Ter)

Gene: RAI1 (retinoic acid induced 1; plus strand). Cytogenetic location: 17p11.2.
Variant type: single nucleotide variant.
Coding change: c.856C>T on transcript NM_030665.4 (MANE Select); coding-DNA position 856, C replaced by T.
Protein change: p.Gln286Ter; replaces glutamine 286 with a stop codon.
Molecular consequence: nonsense.
Genome position (GRCh38, 1-based): chr17:17,793,804, C>T. VCF-style: chr17-17793804-C-T. GRCh37 (hg19) VCF-style: chr17-17697118-C-T.
Other names: short protein forms Q286*.
Identifiers: ClinVar variation 2745489 (VCV002745489.3), dbSNP rs2508572127, ClinGen allele CA398546350.

ClinVar aggregate classification (germline): Pathogenic (1 of 4 stars; one submission).

Allele frequency attached by ClinVar (database versions not stated): gnomAD exomes below 0.00001.
gnomAD v4.1: 1 of 1,612,176 alleles (0.000062%); no homozygotes.

Submission:

Labcorp Genetics (formerly Invitae), Labcorp
Classification: Pathogenic. Last evaluated: 2023-06-02. Review status: criteria provided, single submitter. Criteria: Invitae Variant Classification Sherloc (09022015). Collection method: clinical testing. Allele origin: germline.
Comment: For these reasons, this variant has been classified as Pathogenic. This variant has not been reported in the literature in individuals affected with RAI1-related conditions. This variant is not present in population databases (gnomAD no frequency). This sequence change creates a premature translational stop signal (p.Gln286*) in the RAI1 gene. It is expected to result in an absent or disrupted protein product. Loss-of-function variants in RAI1 are known to be pathogenic (PMID: 21857958, 24715852).

Literature cited by the submitters: PubMed 21857958; PubMed 24715852.